The following is an entry in ClinVar:

ClinVar aggregate classification (germline): Pathogenic (0 of 4 stars; one submission).

Submission:

Diagnostics Centre, Carl Von Ossietzky University Oldenburg
Classification: Pathogenic. Last evaluated: 2024-08-27. Review status: no assertion criteria provided. Collection method: clinical testing. Allele origin: germline. Affected: yes. Observed: 1 variant allele.
Comment: The identified alteration is an approximately 4.08 Mb heterozygous deletion involving chromosomal region 22q13. The deletion encompasses 48 protein-coding genes. ClinVar database contains multiple entries describing individuals with deletions of similar size involving 22q13 that have been classified as pathogenic (ClinVar ID: 253336, 295399, 441707, 626295). The present deletion includes the 22q13.3 region, which has been repeatedly reported in the literature and public databases in association with 22q13.3 deletion syndrome (Phelan–McDermid syndrome). Affected individuals may present with neonatal hypotonia, global developmental delay, severely delayed or absent speech development, normal or accelerated growth, and minor dysmorphic features, including long eyelashes, large or malformed ears, relatively large hands, dysplastic toenails, a prominent forehead, full cheeks, a prominent nose, and a pointed chin. More than 50% of affected individuals exhibit autism spectrum disorder or autism-like behavioral features. In approximately 80–85% of cases, the deletion occurs de novo, and in nearly all affected individuals the deletion includes loss of the SHANK3 gene. Deletion of this gene results in reduced SHANK3 protein expression in the brains of individuals with Phelan–McDermid syndrome. Consequently, it is believed that many of the neurological manifestations of the syndrome, particularly those affecting development and behavior, are primarily attributable to SHANK3 haploinsufficiency (PMID: 26824576, 27118998, 24481935). In summary, this deletion is classified as Pathogenic.

Literature cited by the submitters: PubMed 26824576; PubMed 27118998; PubMed 24481935.

GRCh38/hg38 22q13.31-13.33(chr22:45900000-50806001)x1

Genes: KLHDC7B (kelch domain containing 7B; plus strand), KLHDC7B-DT (KLHDC7B divergent transcript; minus strand), LINC00898 (long independently transcribed non-coding RNA 898; minus strand), LINC00899 (long independently transcribed non-coding RNA 899; minus strand), LINC01310 (long independently transcribed non-coding RNA 1310; plus strand) and 331 more. Cytogenetic location: 22q13.31-13.33.
Variant type: copy number loss.
Change: copy number 1 (one copy instead of two) of chr22:45,900,000-50,806,001 (4.91 Mb, GRCh38 coordinates, 1-based), cytogenetic band 22q13.31-13.33.
Identifiers: ClinVar variation 4886803 (VCV004886803.1).